The following is an entry in ClinVar:

NM_022455.5(NSD1):c.2927C>T (p.Ala976Val)

Gene: NSD1 (nuclear receptor binding SET domain protein 1; plus strand). Cytogenetic location: 5q35.3.
Variant type: single nucleotide variant.
Coding change: c.2927C>T on transcript NM_022455.5 (MANE Select); coding-DNA position 2927, C replaced by T.
Protein change: p.Ala976Val; replaces alanine 976 with valine.
Molecular consequence: missense variant.
Genome position (GRCh38, 1-based): chr5:177,211,326, C>T. VCF-style: chr5-177211326-C-T. GRCh37 (hg19) VCF-style: chr5-176638327-C-T.
Other names: c.2054C>T, p.Ala685Val (NM_001365684.2, NM_001409306.1, NM_001409307.1 and 3 more transcripts); c.2927C>T, p.Ala976Val (NM_001409301.1, NM_001409302.1, NM_001409303.1); c.2507C>T, p.Ala836Val (NM_001409304.1); c.2174C>T, p.Ala725Val (NM_001409305.1); short protein forms A976V, A725V, A685V, A836V.
Identifiers: ClinVar variation 3716878 (VCV003716878.4).
Genomic context (GRCh38, chr5:177,211,326, plus strand): 5'-TGGTTTCAGGAGGCTCCACACACAATTCAGAGAAAAAGGGAGATGGCACTCAGAACTCCG[C>T]CAATCCTAGCCCTAGTGGGGGTGACTCTGCATTATCTGGCGAGTTGTCTGCTTCCCTACC-3'
Protein context (NP_071900.2, residues 966-986): EKKGDGTQNS[Ala976Val]NPSPSGGDSA

ClinVar aggregate classification (germline): Conflicting classifications of pathogenicity. Review status: criteria provided, conflicting classifications (1 of 4 stars). 2 submissions from 2 submitters: Uncertain significance (1); Benign (1). Last evaluated 2025-01-14.

gnomAD v4.1: 35 of 1,614,012 alleles (0.0022%); highest among the groups gnomAD compares: East Asian, 0.076%; no homozygotes.

Submissions (2):

Dasa
Classification: Uncertain significance. Last evaluated: 2025-01-14. Review status: criteria provided, single submitter. Criteria: DASA Assertion Criteria. Collection method: clinical testing. Allele origin: germline.
Comment: NM_022455.5(NSD1):c.2927C>T (p.Ala976Val) is a missense variant that results in the substitution of alanine with valine. This variant is rare in population databases. Computational prediction algorithms are consistent with a benign effect. The currently available literature and clinical evidence are not sufficient to establish a definitive association between this variant and the reported condition. Therefore, this variant is classified as a variant of uncertain significance.

Labcorp Genetics (formerly Invitae), Labcorp
Classification: Benign. Last evaluated: 2023-12-13. Review status: criteria provided, single submitter. Criteria: Invitae Variant Classification Sherloc (09022015). Collection method: clinical testing. Allele origin: germline.